The following is an entry in ClinVar:

ClinVar aggregate classification (germline): Uncertain significance (1 of 4 stars; one submission).

Submission:

Women's Health and Genetics/Laboratory Corporation of America, LabCorp
Classification: Uncertain significance. Last evaluated: 2025-02-19. Review status: criteria provided, single submitter. Criteria: LabCorp Variant Classification Summary - May 2015. Collection method: clinical testing. Allele origin: germline.
Comment: Variant summary: BTK c.1567-23A>C alters a conserved nucleotide at a position not widely known to affect splicing. Consensus agreement among computation tools predict no significant impact on normal splicing. However, these predictions have yet to be confirmed by functional studies. The variant was absent in 183245 control chromosomes. c.1567-23A>C has been reported in the literature in at least one individual affected with X-Linked Agammaglobulinemia (Chen_2016) and observed in 2 brothers with clinical features of X-Linked Agammaglobulinemia (internal_testing). These data indicate that the variant may be associated with disease. To our knowledge, no experimental evidence demonstrating an impact on protein function has been reported. The following publication have been ascertained in the context of this evaluation (PMID: 27512878). To our knowledge, no experimental evidence demonstrating an impact on protein function has been reported. No submitters have cited clinical-significance assessments for this variant to ClinVar. Based on the evidence outlined above, the variant was classified as VUS-possibly pathogenic.

Literature cited by the submitters: PubMed 27512878.

NM_000061.3(BTK):c.1567-23A>C

Gene: BTK (Bruton tyrosine kinase; minus strand). Cytogenetic location: Xq22.1.
Variant type: single nucleotide variant.
Coding change: c.1567-23A>C on transcript NM_000061.3 (MANE Select); 23 bases into the intron before coding-DNA position 1567, A replaced by C.
Molecular consequence: intron variant.
Genome position (GRCh38, 1-based): chrX:101,354,717, T>G on the plus strand (A>C on the coding strand, the complement: BTK is on the minus strand). VCF-style: chrX-101354717-T-G. GRCh37 (hg19) VCF-style: chrX-100609705-T-G.
Other names: c.1669-23A>C (NM_001287344.2); c.1039-23A>C (NM_001287345.2).
Identifiers: ClinVar variation 3768928 (VCV003768928.1).
Genomic context (GRCh38, chrX:101,354,717, plus strand): 5'-ACAACTCCTTGATCGTTTACCAAACAGTTTCGAGCTGCCTGTAGTGCAAACAGAGACCAG[T>G]GAGACTCCGTCCCCAGCACAGAGGTTAAAGGCACAAAGCTTCTGCTGACCAGTAGAATGA-3'